The following is an entry in ClinVar:

NM_001614.5(ACTG1):c.1049C>T (p.Ser350Phe)

Gene: ACTG1 (actin gamma 1; minus strand). Cytogenetic location: 17q25.3.
Variant type: single nucleotide variant.
Coding change: c.1049C>T on transcript NM_001614.5 (MANE Select); coding-DNA position 1049, C replaced by T.
Protein change: p.Ser350Phe; replaces serine 350 with phenylalanine.
Molecular consequence: missense variant. On other transcripts: non-coding transcript variant (1).
Genome position (GRCh38, 1-based): chr17:81,510,769, G>A on the plus strand (C>T on the coding strand, the complement: ACTG1 is on the minus strand). VCF-style: chr17-81510769-G-A. GRCh37 (hg19) VCF-style: chr17-79477795-G-A.
Other names: c.1049C>T, p.Ser350Phe (NM_001199954.3); short protein forms S350F.
Identifiers: ClinVar variation 3757921 (VCV003757921.2).

ClinVar aggregate classification (germline): Uncertain significance (1 of 4 stars; one submission).

Conditions:
Baraitser-winter syndrome 2. Identifiers: Orphanet 2995, MedGen C3281235, MONDO:0013812, OMIM 614583.
Autosomal dominant nonsyndromic hearing loss 20. Identifiers: Orphanet 90635, MedGen C1858172, MONDO:0011480, OMIM 604717.

Submission:

Labcorp Genetics (formerly Invitae), Labcorp
Classification: Uncertain significance for Baraitser-winter syndrome 2; Autosomal dominant nonsyndromic hearing loss 20. Last evaluated: 2024-09-01. Review status: criteria provided, single submitter. Criteria: Invitae Variant Classification Sherloc (09022015). Collection method: clinical testing. Allele origin: germline.
Comment: This sequence change replaces serine, which is neutral and polar, with phenylalanine, which is neutral and non-polar, at codon 350 of the ACTG1 protein (p.Ser350Phe). This variant is not present in population databases (gnomAD no frequency). This variant has not been reported in the literature in individuals affected with ACTG1-related conditions. Invitae Evidence Modeling of protein sequence and biophysical properties (such as structural, functional, and spatial information, amino acid conservation, physicochemical variation, residue mobility, and thermodynamic stability) indicates that this missense variant is not expected to disrupt ACTG1 protein function with a negative predictive value of 80%. In summary, the available evidence is currently insufficient to determine the role of this variant in disease. Therefore, it has been classified as a Variant of Uncertain Significance.